The following is an entry in ClinVar:

ClinVar aggregate classification (germline): Conflicting classifications of pathogenicity. Review status: criteria provided, conflicting classifications (1 of 4 stars). 8 submissions from 8 submitters: Uncertain significance (6); Likely benign (1). 1 of the submissions does not count toward it. Last evaluated 2023-12-18.

Conditions:
Cardiovascular phenotype. Identifiers: MedGen CN230736.
DSG2-related disorder. Also called: DSG2-related condition.
Arrhythmogenic right ventricular dysplasia 10. Also called: Arrhythmogenic right ventricular dysplasia/cardiomyopathy, type 10; Arrhythmogenic Right Ventricular Dysplasia/Cardiomyopathy10; ARRHYTHMOGENIC RIGHT VENTRICULAR DYSPLASIA, FAMILIAL, 10. Identifiers: MedGen C1857777, MONDO:0012434, OMIM 610193.
Dilated cardiomyopathy 1BB (CMD1BB). Also called: CARDIOMYOPATHY, DILATED, 1BB, SUSCEPTIBILITY TO. Identifiers: Orphanet 154, MedGen C2752072, MONDO:0013030, OMIM 612877.
Arrhythmogenic right ventricular cardiomyopathy (ARVD). Also called: Arrhythmogenic cardiomyopathy; Arrhythmogenic Right Ventricular Cardiomyopathy (ARVC); Cardiomyopathy, ARVC; Arrhythmogenic right ventricular dysplasia. Identifiers: Orphanet 247, MedGen C0349788, MeSH D019571, MONDO:0016587. Disease mechanism: loss of function. Inheritance: Various modes of inheritance.
Cardiomyopathy (CMYO). Also called: Cardiomyopathies. Identifiers: Orphanet 167848, MedGen C0878544, MONDO:0004994, HP:0001638. Inheritance: Various modes of inheritance.

Allele frequency attached by ClinVar (database versions not stated): gnomAD 0.00001; gnomAD exomes 0.00001 and 0.00002; TOPMed 0.00001; ExAC 0.00002.
gnomAD v4.1: 14 of 1,610,888 alleles (0.00087%); highest among the groups gnomAD compares: Admixed American, 0.0017%; no homozygotes.

Submissions (8):

All of Us Research Program, National Institutes of Health
Classification: Uncertain significance for Arrhythmogenic right ventricular cardiomyopathy. Last evaluated: 2023-12-18. Review status: criteria provided, single submitter. Criteria: ACMG Guidelines, 2015. Collection method: clinical testing. Allele origin: germline. Inheritance: Autosomal dominant inheritance. Observed: 12 variant alleles, 12 heterozygotes.
Comment: This missense variant replaces threonine with isoleucine at codon 751 of the DSG2 protein. Computational prediction suggests that this variant may not impact protein structure and function (internally defined REVEL score threshold <= 0.5, PMID: 27666373). To our knowledge, functional studies have not been reported for this variant. This variant has been reported in an individual affected with Brugada syndrome (Pietrelli 2014). This variant has been identified in 4/279340 chromosomes in the general population by the Genome Aggregation Database (gnomAD). The available evidence is insufficient to determine the role of this variant in disease conclusively. Therefore, this variant is classified as a Variant of Uncertain Significance.

This study involves interpretation of variants in research participants for the purpose of population health screening. Participant phenotype was not available at the time of variant classification. Additional details can be found in publication PMID: 35346344, PMCID: PMC8962531

Ambry Genetics
Classification: Likely benign for Cardiovascular phenotype. Last evaluated: 2023-11-16. Review status: criteria provided, single submitter. Criteria: Ambry Variant Classification Scheme 2023. Collection method: clinical testing. Allele origin: germline.

Color Diagnostics, LLC DBA Color Health
Classification: Uncertain significance for Cardiomyopathy. Last evaluated: 2023-10-23. Review status: criteria provided, single submitter. Criteria: ACMG Guidelines, 2015. Collection method: clinical testing. Allele origin: germline.
Comment: This missense variant replaces threonine with isoleucine at codon 751 of the DSG2 protein. Computational prediction suggests that this variant may not impact protein structure and function (internally defined REVEL score threshold <= 0.5, PMID: 27666373). To our knowledge, functional studies have not been reported for this variant. This variant has been reported in an individual affected with Brugada syndrome (PMID: 26220970). This variant has been identified in 4/279340 chromosomes in the general population by the Genome Aggregation Database (gnomAD). The available evidence is insufficient to determine the role of this variant in disease conclusively. Therefore, this variant is classified as a Variant of Uncertain Significance.

Labcorp Genetics (formerly Invitae), Labcorp
Classification: Uncertain significance for Arrhythmogenic right ventricular dysplasia 10. Last evaluated: 2022-09-29. Review status: criteria provided, single submitter. Criteria: Invitae Variant Classification Sherloc (09022015). Collection method: clinical testing. Allele origin: germline.
Comment: This sequence change replaces threonine, which is neutral and polar, with isoleucine, which is neutral and non-polar, at codon 751 of the DSG2 protein (p.Thr751Ile). This variant is present in population databases (rs727502989, gnomAD 0.002%). This missense change has been observed in individual(s) with clinical features of Brugada syndrome (PMID: 26220970). ClinVar contains an entry for this variant (Variation ID: 163216). Advanced modeling of protein sequence and biophysical properties (such as structural, functional, and spatial information, amino acid conservation, physicochemical variation, residue mobility, and thermodynamic stability) performed at Invitae indicates that this missense variant is not expected to disrupt DSG2 protein function. In summary, the available evidence is currently insufficient to determine the role of this variant in disease. Therefore, it has been classified as a Variant of Uncertain Significance.

Fulgent Genetics
Classification: Uncertain significance for Arrhythmogenic right ventricular dysplasia 10; Dilated cardiomyopathy 1BB. Last evaluated: 2021-10-31. Review status: criteria provided, single submitter. Criteria: ACMG Guidelines, 2015. Collection method: clinical testing. Allele origin: unknown.

Genomic Diagnostic Laboratory, Division of Genomic Diagnostics, Children's Hospital of Philadelphia
Classification: Uncertain significance for Arrhythmogenic right ventricular cardiomyopathy. Last evaluated: 2015-10-16. Review status: criteria provided, single submitter. Criteria: DGD Variant Analysis Guidelines. Collection method: clinical testing. Allele origin: unknown.

Laboratory for Molecular Medicine, Mass General Brigham Personalized Medicine
Classification: Uncertain significance. Last evaluated: 2014-11-28. Review status: criteria provided, single submitter. Criteria: LMM Criteria. Collection method: clinical testing. Allele origin: germline. Observed: 1 variant allele.
Comment: Variant classified as Uncertain Significance - Favor Benign. The p.Thr751Ile var iant in DSG2 has not been previously reported in individuals with cardiomyopathy , but has been identified in 2/67482 European chromosomes by the Exome Aggregati on Consortium (ExAC). Threonine (Thr) at positio n 751 is poorly conserved in evolution and one mammalian species (megabat) carri es an isoleucine (Ile) at this position, raising the possibility that this chang e may be tolerated. Computational prediction tools also suggest that this varian t may not impact the protein, though this information is not predictive enough t o rule out pathogenicity. In summary, while the clinical significance of the p.T hr751Ile variant is uncertain, these data suggest that it is more likely to be b enign.

PreventionGenetics, part of Exact Sciences
Classification: Uncertain significance for DSG2-related condition. Last evaluated: 2024-06-06. Review status: no assertion criteria provided. Collection method: clinical testing. Allele origin: germline. Not counted in ClinVar's aggregate classification.
Comment: The DSG2 c.2252C>T variant is predicted to result in the amino acid substitution p.Thr751Ile. This variant has been reported in an individual with Brugada syndrome (Table S2, Di Resta et al. 2015. PubMed ID: 26220970). This variant is reported in 0.0023% of alleles in individuals of European (Non-Finnish) descent in gnomAD. At this time, the clinical significance of this variant is uncertain due to the absence of conclusive functional and genetic evidence.

Literature cited by the submitters: PubMed 26220970 (cited by 3 submitters).

NM_001943.5(DSG2):c.2252C>T (p.Thr751Ile)

Genes: DSG2 (desmoglein 2; plus strand), DSG2-AS1 (DSG2 antisense RNA 1; minus strand). Cytogenetic location: 18q12.1.
Variant type: single nucleotide variant.
Coding change: c.2252C>T on transcript NM_001943.5 (MANE Select); coding-DNA position 2252, C replaced by T.
Protein change: p.Thr751Ile; replaces threonine 751 with isoleucine.
Molecular consequence: missense variant.
Genome position (GRCh38, 1-based): chr18:31,542,770, C>T. VCF-style: chr18-31542770-C-T. GRCh37 (hg19) VCF-style: chr18-29122733-C-T.
Other names: short protein forms T751I.
Identifiers: ClinVar variation 163216 (VCV000163216.18), dbSNP rs727502989, ClinGen allele CA021737.